The following is an entry in ClinVar:

NM_182915.3(STEAP3):c.1156G>A (p.Val386Met)

Gene: STEAP3 (STEAP3 metalloreductase; plus strand). Cytogenetic location: 2q14.2.
Variant type: single nucleotide variant.
Coding change: c.1156G>A on transcript NM_182915.3 (MANE Select); coding-DNA position 1156, G replaced by A.
Protein change: p.Val386Met; replaces valine 386 with methionine.
Molecular consequence: missense variant.
Genome position (GRCh38, 1-based): chr2:119,254,789, G>A. VCF-style: chr2-119254789-G-A. GRCh37 (hg19) VCF-style: chr2-120012365-G-A.
Other names: c.1156G>A (NM_182915.2); c.1126G>A, p.Val376Met (NM_001008410.2, NM_018234.3, NM_138637.3); short protein forms V386M, V376M.
Identifiers: ClinVar variation 1354813 (VCV001354813.8), dbSNP rs762111341, ClinGen allele CA1846822.

ClinVar aggregate classification (germline): Uncertain significance. Review status: criteria provided, multiple submitters, no conflicts (2 of 4 stars). 2 submissions from 2 submitters: Uncertain significance (2). Last evaluated 2025-10-11.

Allele frequency attached by ClinVar (database versions not stated): TOPMed 0.00006; gnomAD 0.00011 and 0.00013; ExAC 0.00012; gnomAD exomes 0.00012 and 0.00015.
gnomAD v4.1: 227 of 1,614,032 alleles (0.014%); highest among the groups gnomAD compares: Non-Finnish European, 0.017%; no homozygotes.

Submissions (2):

Labcorp Genetics (formerly Invitae), Labcorp
Classification: Uncertain significance. Last evaluated: 2025-10-11. Review status: criteria provided, single submitter. Criteria: Invitae Variant Classification Sherloc (09022015). Collection method: clinical testing. Allele origin: germline.
Comment: This sequence change replaces valine, which is neutral and non-polar, with methionine, which is neutral and non-polar, at codon 376 of the STEAP3 protein (p.Val376Met). This variant is present in population databases (rs762111341, gnomAD 0.02%). This variant has not been reported in the literature in individuals affected with STEAP3-related conditions. ClinVar contains an entry for this variant (Variation ID: 1354813). An algorithm developed to predict the effect of missense changes on protein structure and function (PolyPhen-2) suggests that this variant is likely to be disruptive. In summary, the available evidence is currently insufficient to determine the role of this variant in disease. Therefore, it has been classified as a Variant of Uncertain Significance.

Ambry Genetics
Classification: Uncertain significance. Last evaluated: 2025-03-05. Review status: criteria provided, single submitter. Criteria: Ambry Variant Classification Scheme 2023. Collection method: clinical testing. Allele origin: germline.